The following is an entry in ClinVar:

ClinVar aggregate classification (germline): Uncertain significance (1 of 4 stars; one submission).

Submission:

Labcorp Genetics (formerly Invitae), Labcorp
Classification: Uncertain significance. Last evaluated: 2023-07-08. Review status: criteria provided, single submitter. Criteria: Invitae Variant Classification Sherloc (09022015). Collection method: clinical testing. Allele origin: germline.
Comment: In summary, the available evidence is currently insufficient to determine the role of this variant in disease. Therefore, it has been classified as a Variant of Uncertain Significance. Advanced modeling of protein sequence and biophysical properties (such as structural, functional, and spatial information, amino acid conservation, physicochemical variation, residue mobility, and thermodynamic stability) performed at Invitae indicates that this missense variant is not expected to disrupt PDE6A protein function. This variant has not been reported in the literature in individuals affected with PDE6A-related conditions. This variant is not present in population databases (gnomAD no frequency). This sequence change replaces glutamine, which is neutral and polar, with arginine, which is basic and polar, at codon 285 of the PDE6A protein (p.Gln285Arg).

NM_000440.3(PDE6A):c.854A>G (p.Gln285Arg)

Gene: PDE6A (phosphodiesterase 6A; minus strand). Cytogenetic location: 5q32.
Variant type: single nucleotide variant.
Coding change: c.854A>G on transcript NM_000440.3 (MANE Select); coding-DNA position 854, A replaced by G.
Protein change: p.Gln285Arg; replaces glutamine 285 with arginine.
Molecular consequence: missense variant.
Genome position (GRCh38, 1-based): chr5:149,931,032, T>C on the plus strand (A>G on the coding strand, the complement: PDE6A is on the minus strand). VCF-style: chr5-149931032-T-C. GRCh37 (hg19) VCF-style: chr5-149310595-T-C.
Other names: c.611A>G, p.Gln204Arg (NM_001410788.1); short protein forms Q204R, Q285R.
Identifiers: ClinVar variation 2737991 (VCV002737991.3), dbSNP rs2480675987, ClinGen allele CA361696383.